The following is an entry in ClinVar:

ClinVar aggregate classification (germline): Conflicting classifications of pathogenicity. Review status: criteria provided, conflicting classifications (1 of 4 stars). 2 submissions from 2 submitters: Uncertain significance (1); Likely benign (1). Last evaluated 2024-11-27.

Conditions:
EPCAM-related disorder. Also called: EPCAM-related condition.
Hereditary cancer-predisposing syndrome. Also called: Neoplastic Syndromes, Hereditary; Hereditary Cancer Syndrome; Tumor predisposition; Hereditary neoplastic syndrome. Identifiers: Orphanet 140162, MedGen C0027672, MeSH D009386, MONDO:0015356.

Allele frequency attached by ClinVar (database versions not stated): gnomAD 0.00001; TOPMed 0.00002.
gnomAD v4.1: 56 of 1,598,774 alleles (0.0035%); highest among the groups gnomAD compares: Middle Eastern, 0.017%; no homozygotes.

Submissions (2):

PreventionGenetics, part of Exact Sciences
Classification: Likely benign for EPCAM-related condition. Last evaluated: 2024-11-27. Review status: criteria provided, single submitter. Criteria: ACMG Guidelines, 2015. Collection method: clinical testing. Allele origin: germline.
Comment: This variant is classified as likely benign based on ACMG/AMP sequence variant interpretation guidelines (Richards et al. 2015 PMID: 25741868, with internal and published modifications).

Ambry Genetics
Classification: Uncertain significance for Hereditary cancer-predisposing syndrome. Last evaluated: 2017-08-01. Review status: criteria provided, single submitter. Criteria: Ambry Autosomal Dominant and X-Linked criteria (3/2017). Collection method: clinical testing. Allele origin: germline. Observed: 1 variant allele.
Comment: There is insufficient or conflicting evidence for classification of this alteration.

NM_002354.3(EPCAM):c.*3A>G

Gene: EPCAM (epithelial cell adhesion molecule; plus strand). Cytogenetic location: 2p21.
Variant type: single nucleotide variant.
Coding change: c.*3A>G on transcript NM_002354.3 (MANE Select); 3 bases downstream of the stop codon, A replaced by G.
Molecular consequence: 3 prime UTR variant.
Genome position (GRCh38, 1-based): chr2:47,386,616, A>G. VCF-style: chr2-47386616-A-G. GRCh37 (hg19) VCF-style: chr2-47613755-A-G.
Identifiers: ClinVar variation 479662 (VCV000479662.5), dbSNP rs748677907, ClinGen allele CA1649230.